The following is an entry in ClinVar:

ClinVar aggregate classification (germline): Uncertain significance. Review status: criteria provided, multiple submitters, no conflicts (2 of 4 stars). 3 submissions from 3 submitters: Uncertain significance (3). Last evaluated 2023-08-14.

Conditions:
Dyskeratosis congenita, autosomal dominant 2. Identifiers: MedGen C3151443, MONDO:0013521, OMIM 613989.
Idiopathic Pulmonary Fibrosis. Also called: Idiopathic fibrosing alveolitis, chronic form; idiopathic fibrosing alveolitis. Identifiers: Orphanet 2032, MedGen C1800706, MeSH D054990, MONDO:0800504.
Dyskeratosis congenita. Identifiers: Orphanet 1775, MedGen C0265965, MONDO:0015780.

Allele frequency attached by ClinVar (database versions not stated): gnomAD exomes below 0.00001; gnomAD 0.00001.
gnomAD v4.1: 2 of 1,613,254 alleles (0.00012%); highest among the groups gnomAD compares: Non-Finnish European, 0.00017%; no homozygotes.

Submissions (3):

Baylor Genetics
Classification: Uncertain significance for Dyskeratosis congenita, autosomal dominant 2. Last evaluated: 2023-08-14. Review status: criteria provided, single submitter. Criteria: ACMG Guidelines, 2015. Collection method: clinical testing. Allele origin: unknown.

Ambry Genetics
Classification: Uncertain significance for Dyskeratosis congenita. Last evaluated: 2022-08-16. Review status: criteria provided, single submitter. Criteria: Ambry Variant Classification Scheme 2023. Collection method: clinical testing. Allele origin: germline.
Comment: The p.L505Q variant (also known as c.1514T>A), located in coding exon 2 of the TERT gene, results from a T to A substitution at nucleotide position 1514. The leucine at codon 505 is replaced by glutamine, an amino acid with dissimilar properties. This amino acid position is conserved. In addition, the in silico prediction for this alteration is inconclusive. Since supporting evidence is limited at this time, the clinical significance of this alteration remains unclear.

Labcorp Genetics (formerly Invitae), Labcorp
Classification: Uncertain significance for Dyskeratosis congenita, autosomal dominant 2; Idiopathic Pulmonary Fibrosis. Last evaluated: 2021-11-26. Review status: criteria provided, single submitter. Criteria: Invitae Variant Classification Sherloc (09022015). Collection method: clinical testing. Allele origin: germline.
Comment: This sequence change replaces leucine, which is neutral and non-polar, with glutamine, which is neutral and polar, at codon 505 of the TERT protein (p.Leu505Gln). This variant is present in population databases (no rsID available, gnomAD 0.007%). This variant has not been reported in the literature in individuals affected with TERT-related conditions. ClinVar contains an entry for this variant (Variation ID: 471824). Advanced modeling of protein sequence and biophysical properties (such as structural, functional, and spatial information, amino acid conservation, physicochemical variation, residue mobility, and thermodynamic stability) performed at Invitae indicates that this missense variant is expected to disrupt TERT protein function. In summary, the available evidence is currently insufficient to determine the role of this variant in disease. Therefore, it has been classified as a Variant of Uncertain Significance.

NM_198253.3(TERT):c.1514T>A (p.Leu505Gln)

Gene: TERT (telomerase reverse transcriptase; minus strand). Cytogenetic location: 5p15.33.
Variant type: single nucleotide variant.
Coding change: c.1514T>A on transcript NM_198253.3 (MANE Select); coding-DNA position 1514, T replaced by A.
Protein change: p.Leu505Gln; replaces leucine 505 with glutamine.
Molecular consequence: missense variant. On other transcripts: non-coding transcript variant (2).
Genome position (GRCh38, 1-based): chr5:1,293,372, A>T on the plus strand (T>A on the coding strand, the complement: TERT is on the minus strand). VCF-style: chr5-1293372-A-T. GRCh37 (hg19) VCF-style: chr5-1293487-A-T.
Other names: c.1514T>A, p.Leu505Gln (NM_001193376.3); short protein forms L505Q.
Identifiers: ClinVar variation 471824 (VCV000471824.13), dbSNP rs1344847833, ClinGen allele CA359085231.
Genomic context (GRCh38, chr5:1,293,372, plus strand): 5'-CCTGGGCTCCTGCGCAGCCAAGCGCAGTCCCGCACGCTCATCTTCCACGTCAGCTCCTGC[A>T]GCGAGAGCTTGGCATGCTTCCCCAGGGAGATGAACTTCTTGGTGTTCCTGAGGAAGCGGC-3'
Protein context (NP_937983.2, residues 495-515): ISLGKHAKLS[Leu505Gln]QELTWKMSVR